The following is an entry in ClinVar:

ClinVar aggregate classification (germline): Uncertain significance (1 of 4 stars; one submission).

Conditions:
Chédiak-Higashi syndrome (CHS). Also called: Chediak-Higashi Syndrome. Identifiers: Orphanet 167, MedGen C0007965, MONDO:0008963, OMIM 214500.

Allele frequency attached by ClinVar (database versions not stated): gnomAD exomes below 0.00001.
gnomAD v4.1: 3 of 1,613,992 alleles (0.00019%); highest among the groups gnomAD compares: Non-Finnish European, 0.00025%; no homozygotes.

Submission:

Labcorp Genetics (formerly Invitae), Labcorp
Classification: Uncertain significance for Chédiak-Higashi syndrome. Last evaluated: 2025-11-24. Review status: criteria provided, single submitter. Criteria: Invitae Variant Classification Sherloc (09022015). Collection method: clinical testing. Allele origin: germline.
Comment: This sequence change replaces phenylalanine, which is neutral and non-polar, with leucine, which is neutral and non-polar, at codon 52 of the LYST protein (p.Phe52Leu). This variant is not present in population databases (gnomAD no frequency). This variant has not been reported in the literature in individuals affected with LYST-related conditions. ClinVar contains an entry for this variant (Variation ID: 1500999). Invitae Evidence Modeling of protein sequence and biophysical properties (such as structural, functional, and spatial information, amino acid conservation, physicochemical variation, residue mobility, and thermodynamic stability) indicates that this missense variant is not expected to disrupt LYST protein function with a negative predictive value of 80%. In summary, the available evidence is currently insufficient to determine the role of this variant in disease. Therefore, it has been classified as a Variant of Uncertain Significance.

NM_000081.4(LYST):c.154T>C (p.Phe52Leu)

Gene: LYST (lysosomal trafficking regulator; minus strand). Cytogenetic location: 1q42.3.
Variant type: single nucleotide variant.
Coding change: c.154T>C on transcript NM_000081.4 (MANE Select); coding-DNA position 154, T replaced by C.
Protein change: p.Phe52Leu; replaces phenylalanine 52 with leucine.
Molecular consequence: missense variant. On other transcripts: non-coding transcript variant (1).
Genome position (GRCh38, 1-based): chr1:235,830,264, A>G on the plus strand (T>C on the coding strand, the complement: LYST is on the minus strand). VCF-style: chr1-235830264-A-G. GRCh37 (hg19) VCF-style: chr1-235993564-A-G.
Other names: c.154T>C, p.Phe52Leu (NM_001301365.1); short protein forms F52L.
Identifiers: ClinVar variation 1500999 (VCV001500999.6), dbSNP rs2527300405, ClinGen allele CA344968654.